The following is an entry in ClinVar:

ClinVar aggregate classification (germline): Uncertain significance (1 of 4 stars; one submission).

Conditions:
Noonan syndrome (NS). Also called: Noonan's syndrome. Identifiers: Orphanet 648, MedGen C0028326, MeSH D009634, MONDO:0018997. Disease mechanism: gain of function.

gnomAD v4.1: 29 of 1,563,786 alleles (0.0019%); highest among the groups gnomAD compares: Non-Finnish European, 0.0024%; no homozygotes.

Submission:

Labcorp Genetics (formerly Invitae), Labcorp
Classification: Uncertain significance for Noonan syndrome. Last evaluated: 2025-08-09. Review status: criteria provided, single submitter. Criteria: Invitae Variant Classification Sherloc (09022015). Collection method: clinical testing. Allele origin: germline.
Comment: This sequence change replaces arginine, which is basic and polar, with leucine, which is neutral and non-polar, at codon 191 of the RRAS protein (p.Arg191Leu). This variant also falls at the last nucleotide of exon 5, which is part of the consensus splice site for this exon. The frequency data for this variant in the population databases is considered unreliable, as metrics indicate poor data quality at this position in the gnomAD database. This variant has not been reported in the literature in individuals affected with RRAS-related conditions. ClinVar contains an entry for this variant (Variation ID: 1024870). An algorithm developed to predict the effect of missense changes on protein structure and function (PolyPhen-2) suggests that this variant is likely to be disruptive. Variants that disrupt the consensus splice site are a relatively common cause of aberrant splicing (PMID: 17576681, 9536098). Algorithms developed to predict the effect of sequence changes on RNA splicing suggest that this variant may disrupt the consensus splice site. In summary, the available evidence is currently insufficient to determine the role of this variant in disease. Therefore, it has been classified as a Variant of Uncertain Significance.

Literature cited by the submitters: PubMed 17576681; PubMed 9536098.

NM_006270.5(RRAS):c.572G>T (p.Arg191Leu)

Gene: RRAS (RAS related; minus strand). Cytogenetic location: 19q13.33.
Variant type: single nucleotide variant.
Coding change: c.572G>T on transcript NM_006270.5 (MANE Select); coding-DNA position 572, G replaced by T.
Protein change: p.Arg191Leu; replaces arginine 191 with leucine.
Molecular consequence: missense variant.
Genome position (GRCh38, 1-based): chr19:49,635,734, C>A on the plus strand (G>T on the coding strand, the complement: RRAS is on the minus strand). VCF-style: chr19-49635734-C-A. GRCh37 (hg19) VCF-style: chr19-50138991-C-A.
Other names: short protein forms R191L.
Identifiers: ClinVar variation 1024870 (VCV001024870.8), dbSNP rs759803129, ClinGen allele CA9578954.
Genomic context (GRCh38, chr19:49,635,734, plus strand): 5'-CCAGTGAGTTTGGAGTGGAAGGGCTGGGGACAAGGACGACAGGAAGGGGACTTGGCTCAC[C>A]GGACAGCCCGCACCAGCTGCTCAAAAGCCTCGTCCACGTTGAGACGCAGTTTGGCCGAGG-3'
Protein context (NP_006261.1, residues 181-201): EAFEQLVRAV[Arg191Leu]KYQEQELPPS